The following is an entry in ClinVar:

NM_182920.2(ADAMTS9):c.2564C>T (p.Ser855Leu)

Gene: ADAMTS9 (ADAM metallopeptidase with thrombospondin type 1 motif 9; minus strand). Cytogenetic location: 3p14.1.
Variant type: single nucleotide variant.
Coding change: c.2564C>T on transcript NM_182920.2 (MANE Select); coding-DNA position 2564, C replaced by T.
Protein change: p.Ser855Leu; replaces serine 855 with leucine.
Molecular consequence: missense variant.
Genome position (GRCh38, 1-based): chr3:64,622,320, G>A on the plus strand (C>T on the coding strand, the complement: ADAMTS9 is on the minus strand). VCF-style: chr3-64622320-G-A. GRCh37 (hg19) VCF-style: chr3-64607996-G-A.
Other names: c.2480C>T, p.Ser827Leu (NM_001318781.2); short protein forms S855L, S827L.
Identifiers: ClinVar variation 2066879 (VCV002066879.4), dbSNP rs1227579877, ClinGen allele CA353450180.

ClinVar aggregate classification (germline): Uncertain significance (1 of 4 stars; one submission).

Allele frequency attached by ClinVar (database versions not stated): gnomAD exomes below 0.00001; gnomAD 0.00001.
gnomAD v4.1: 5 of 1,613,388 alleles (0.00031%); highest among the groups gnomAD compares: South Asian, 0.0022%; no homozygotes.

Submission:

Labcorp Genetics (formerly Invitae), Labcorp
Classification: Uncertain significance. Last evaluated: 2022-02-11. Review status: criteria provided, single submitter. Criteria: Invitae Variant Classification Sherloc (09022015). Collection method: clinical testing. Allele origin: germline.
Comment: Algorithms developed to predict the effect of missense changes on protein structure and function (SIFT, PolyPhen-2, Align-GVGD) all suggest that this variant is likely to be disruptive. In summary, the available evidence is currently insufficient to determine the role of this variant in disease. Therefore, it has been classified as a Variant of Uncertain Significance. This variant is present in population databases (no rsID available, gnomAD 0.003%). This variant has not been reported in the literature in individuals affected with ADAMTS9-related conditions. This sequence change replaces serine, which is neutral and polar, with leucine, which is neutral and non-polar, at codon 855 of the ADAMTS9 protein (p.Ser855Leu).